The following is an entry in ClinVar:

ClinVar aggregate classification (germline): Benign. Review status: criteria provided, single submitter (1 of 4 stars). 2 submissions from 2 submitters: Benign (1). 1 of the submissions does not count toward it. Last evaluated 2025-02-16.

Conditions:
SCAPER-related disorder. Also called: SCAPER-related condition.

Allele frequency attached by ClinVar (database versions not stated): ExAC 0.02938; gnomAD 0.03080; TOPMed 0.03216; ESP Exome Variant Server 0.03267; gnomAD exomes 0.04204; 1000 Genomes Project 30x 0.01749; 1000 Genomes Project 0.01837.
gnomAD v4.1: 65,960 of 1,613,362 alleles (4.1%); highest among the groups gnomAD compares: Non-Finnish European, 4.8%; 1,626 homozygotes.

Submissions (2):

Laboratory of Genetics, Children's Clinical University Hospital Latvia
Classification: Benign. Last evaluated: 2025-02-16. Review status: criteria provided, single submitter. Criteria: ACMG Guidelines, 2015. Collection method: clinical testing. Allele origin: germline. Affected: yes.

PreventionGenetics, part of Exact Sciences
Classification: Benign for SCAPER-related condition. Last evaluated: 2019-05-28. Review status: no assertion criteria provided. Collection method: clinical testing. Allele origin: germline. Not counted in ClinVar's aggregate classification.
Comment: This variant is classified as benign based on ACMG/AMP sequence variant interpretation guidelines (Richards et al. 2015 PMID: 25741868, with internal and published modifications).

NM_020843.4(SCAPER):c.2496A>G (p.Ser832=)

Gene: SCAPER (S-phase cyclin A associated protein in the ER; minus strand). Cytogenetic location: 15q24.3.
Variant type: single nucleotide variant.
Coding change: c.2496A>G on transcript NM_020843.4 (MANE Select); coding-DNA position 2496, A replaced by G.
Protein change: p.Ser832=; no amino-acid change (serine 832 retained).
Molecular consequence: synonymous variant. On other transcripts: non-coding transcript variant (1).
Genome position (GRCh38, 1-based): chr15:76,701,770, T>C on the plus strand (A>G on the coding strand, the complement: SCAPER is on the minus strand). VCF-style: chr15-76701770-T-C. GRCh37 (hg19) VCF-style: chr15-76994111-T-C.
Other names: c.1758A>G, p.Ser586= (NM_001145923.2); c.2514A>G, p.Ser838= (NM_001353009.2); c.2094A>G, p.Ser698= (NM_001353010.2, NM_001353012.2); c.2112A>G, p.Ser704= (NM_001353011.2).
Identifiers: ClinVar variation 3041971 (VCV003041971.3), dbSNP rs117552750, ClinGen allele CA7674693.